The following is an entry in ClinVar:

ClinVar aggregate classification (germline): Pathogenic (1 of 4 stars; one submission).

Conditions:
Primary ciliary dyskinesia. Also called: Ciliary dyskinesia. Identifiers: Orphanet 244, MedGen C0008780, MONDO:0016575, HP:0012265.

Submission:

Labcorp Genetics (formerly Invitae), Labcorp
Classification: Pathogenic for Primary ciliary dyskinesia. Last evaluated: 2022-02-08. Review status: criteria provided, single submitter. Criteria: Invitae Variant Classification Sherloc (09022015). Collection method: clinical testing. Allele origin: germline.
Comment: This variant is not present in population databases (gnomAD no frequency). For these reasons, this variant has been classified as Pathogenic. This variant disrupts a region of the RPGR (ORF15) protein in which other variant(s) (p.Leu1130Lysfs*13) have been determined to be pathogenic (PMID: 22264887; Invitae). This suggests that this is a clinically significant region of the protein, and that variants that disrupt it are likely to be disease-causing. This variant has not been reported in the literature in individuals affected with RPGR (ORF15)-related conditions. This sequence change creates a premature translational stop signal (p.Glu714Argfs*101) in the RPGR (ORF15) gene. While this is not anticipated to result in nonsense mediated decay, it is expected to disrupt the last 439 amino acid(s) of the RPGR (ORF15) protein.

Literature cited by the submitters: PubMed 22264887.

NM_001034853.2(RPGR):c.2140del (p.Glu714fs)

Gene: RPGR (retinitis pigmentosa GTPase regulator; minus strand). Cytogenetic location: Xp11.4.
Variant type: Deletion.
Coding change: c.2140del on transcript NM_001034853.2 (MANE Select); coding-DNA position 2140, one base deleted (G; older notation c.2140delG).
Protein change: p.Glu714fs; shifts the reading frame from glutamic acid 714.
Molecular consequence: frameshift variant. On other transcripts: intron variant (8).
Genome position (GRCh38, 1-based): chrX:38,286,859, C deleted on the plus strand (G on the coding strand, the reverse complement: RPGR is on the minus strand); the first of 2 consecutive C bases (chrX:38,286,859-38,286,860); deleting either gives the same sequence. VCF-style (leftmost placement, unchanged base first): chrX-38286858-TC-T. GRCh37 (hg19) VCF-style: chrX-38146111-TC-T.
Other names: c.1569+4100del (NM_001367249.1, NM_001367250.1); c.1902+235del (NM_001367245.1); c.1386+4100del (NM_001367251.1); c.1719+235del (NM_001367246.1); c.1572+4100del (NM_001367247.1); c.1905+235del (NM_000328.3); c.1602+4100del (NM_001367248.1); short protein forms E714fs.
Identifiers: ClinVar variation 2095251 (VCV002095251.4), dbSNP rs2519793374, ClinGen allele CA2580100940.
Genomic context (GRCh38, chrX:38,286,858, plus strand): 5'-TCCTCCTCCCCTCCCTCCTCCATCTCTTGGTTTCTTTCCTTCTGATGGCCCTGCTCCCTC[TC>T]CTTTTGCTCCTGCTCTTCCCCATCCCTCTTCTTCCATTCTTCCTTCTCTGCTAGTTCCTT-3'